The following is an entry in ClinVar:

NM_022489.4(INF2):c.2080G>A (p.Glu694Lys)

Gene: INF2 (inverted formin 2; plus strand). Cytogenetic location: 14q32.33.
Variant type: single nucleotide variant.
Coding change: c.2080G>A on transcript NM_022489.4 (MANE Select); coding-DNA position 2080, G replaced by A.
Protein change: p.Glu694Lys; replaces glutamic acid 694 with lysine.
Molecular consequence: missense variant.
Genome position (GRCh38, 1-based): chr14:104,709,647, G>A. VCF-style: chr14-104709647-G-A. GRCh37 (hg19) VCF-style: chr14-105175984-G-A.
Other names: c.2080G>A, p.Glu694Lys (NM_001031714.4); short protein forms E694K.
Identifiers: ClinVar variation 2502007 (VCV002502007.1), dbSNP rs2541931203, ClinGen allele CA391219916.

ClinVar aggregate classification (germline): Uncertain significance (1 of 4 stars; one submission).

Submission:

GeneDx
Classification: Uncertain significance. Last evaluated: 2022-11-09. Review status: criteria provided, single submitter. Criteria: GeneDx Variant Classification Process June 2021. Collection method: clinical testing. Allele origin: germline. Affected: yes.
Comment: Not observed at significant frequency in large population cohorts (gnomAD); In silico analysis supports that this missense variant has a deleterious effect on protein structure/function; Has not been previously published as pathogenic or benign to our knowledge